The following is an entry in ClinVar:

NM_000368.5(TSC1):c.3324C>T (p.Gly1108=)

Gene: TSC1 (TSC complex subunit 1; minus strand). Cytogenetic location: 9q34.13.
Variant type: single nucleotide variant.
Coding change: c.3324C>T on transcript NM_000368.5 (MANE Select); coding-DNA position 3324, C replaced by T.
Protein change: p.Gly1108=; no amino-acid change (glycine 1108 retained).
Molecular consequence: synonymous variant.
Genome position (GRCh38, 1-based): chr9:132,896,406, G>A on the plus strand (C>T on the coding strand, the complement: TSC1 is on the minus strand). VCF-style: chr9-132896406-G-A. GRCh37 (hg19) VCF-style: chr9-135771793-G-A.
Other names: p.G1108G:GGC>GGT; p.Gly1108=; c.3321C>T, p.Gly1107= (NM_001162426.2); c.3171C>T, p.Gly1057= (NM_001162427.2); c.2961C>T, p.Gly987= (NM_001362177.2).
Identifiers: ClinVar variation 49024 (VCV000049024.51), dbSNP rs35593170, ClinGen allele CA007323.

ClinVar aggregate classification (germline): Benign/Likely benign. Review status: criteria provided, multiple submitters, no conflicts (2 of 4 stars). 27 submissions from 25 submitters: Benign (20); Likely benign (2). 5 of the submissions do not count toward it. Last evaluated 2026-02-04.

Conditions:
Lymphangiomyomatosis (LAM). Also called: Lymphangioleiomyomatosis; Lymphangioleiomyomatosis, somatic. Identifiers: Orphanet 538, MedGen C0751674, MONDO:0011705, OMIM 606690.
Tuberous sclerosis 1 (TSC1). Identifiers: Orphanet 805, MedGen C1854465, MONDO:0008612, OMIM 191100.
Isolated focal cortical dysplasia type II (FCORD2). Also called: CORTICAL DYSPLASIA OF TAYLOR; Focal cortical dysplasia type II. Identifiers: Orphanet 268994, MedGen C1846385, MONDO:0011818, OMIM 607341, HP:0032051.
Hereditary cancer-predisposing syndrome. Also called: Tumor predisposition; Neoplastic Syndromes, Hereditary; Hereditary neoplastic syndrome; Hereditary Cancer Syndrome. Identifiers: Orphanet 140162, MedGen C0027672, MeSH D009386, MONDO:0015356.
Tuberous sclerosis syndrome (TSC). Also called: Tuberous Sclerosis Complex; Tuberous sclerosis. Identifiers: Orphanet 805, MedGen C0041341, MONDO:0001734.
Malignant tumor of urinary bladder. Also called: Urinary Bladder Neoplasms; Urinary bladder cancer; Bladder cancer. Identifiers: MedGen C0005684, MONDO:0001187, OMIM 109800.

Allele frequency attached by ClinVar (database versions not stated): 1000 Genomes Project 0.01577; 1000 Genomes Project 30x 0.01718; ESP Exome Variant Server 0.00100; gnomAD exomes 0.00425 and 0.01837; gnomAD 0.00704 and 0.00731; TOPMed 0.01279; ExAC 0.01392.
gnomAD v4.1: 7,266 of 1,614,196 alleles (0.45%); highest among the groups gnomAD compares: Admixed American, 10%; 439 homozygotes.

Submissions (27):

Labcorp Genetics (formerly Invitae), Labcorp
Classification: Benign for Tuberous sclerosis 1. Last evaluated: 2026-02-04. Review status: criteria provided, single submitter. Criteria: Invitae Variant Classification Sherloc (09022015). Collection method: clinical testing. Allele origin: germline.

ARUP Laboratories, Molecular Genetics and Genomics, ARUP Laboratories
Classification: Benign. Last evaluated: 2025-07-07. Review status: criteria provided, single submitter. Criteria: ARUP Molecular Germline Variant Investigation Process 2024. Collection method: clinical testing. Allele origin: germline.

Myriad Genetics, Inc.
Classification: Benign for Tuberous sclerosis 1. Last evaluated: 2025-04-30. Review status: criteria provided, single submitter. Criteria: Myriad Autosomal Dominant, Autosomal Recessive and X-Linked Classification Criteria (2023). Collection method: clinical testing. Allele origin: unknown.
Comment: This variant is considered benign. This variant is a silent/synonymous amino acid change and it is not expected to impact splicing.

Blueprint Genetics
Classification: Benign. Last evaluated: 2024-11-27. Review status: criteria provided, single submitter. Criteria: ACMG Guidelines, 2015. Collection method: clinical testing. Allele origin: germline.

Unidad de Genómica Garrahan, Hospital de Pediatría Garrahan
Classification: Benign. Last evaluated: 2024-07-15. Review status: criteria provided, single submitter. Criteria: ACMG Guidelines, 2015. Collection method: clinical testing. Allele origin: germline. Affected: no. Observed: 19 variant alleles.
Comment: This variant is classified as Benign based on local population frequency. This variant was detected in 20% of patients studied in a panel designed for Epileptic and Developmental Encephalopathy and Progressive Myoclonus Epilepsy. Number of patients: 19. Only high quality variants are reported.

Athena Diagnostics
Classification: Benign. Last evaluated: 2024-07-05. Review status: criteria provided, single submitter. Criteria: Athena Diagnostics Criteria. Collection method: clinical testing. Allele origin: unknown.

All of Us Research Program, National Institutes of Health
Classification: Benign for Tuberous sclerosis syndrome. Last evaluated: 2024-02-05. Review status: criteria provided, single submitter. Criteria: ACMG Guidelines, 2015. Collection method: clinical testing. Allele origin: germline. Inheritance: Autosomal dominant inheritance. Observed: 1,682 variant alleles, 1,605 heterozygotes, 77 homozygotes.
Comment: This study involves interpretation of variants in research participants for the purpose of population health screening. Participant phenotype was not available at the time of variant classification. Additional details can be found in publication PMID: 35346344, PMCID: PMC8962531

KCCC/NGS Laboratory, Kuwait Cancer Control Center
Classification: Benign for Tuberous sclerosis 1. Last evaluated: 2023-07-07. Review status: criteria provided, single submitter. Criteria: ACMG Guidelines, 2015. Collection method: clinical testing. Allele origin: germline. Affected: yes.

Department of Pathology and Laboratory Medicine, Sinai Health System
Classification: Benign for Tuberous sclerosis 1; Lymphangiomyomatosis; Isolated focal cortical dysplasia type II. Last evaluated: 2022-10-27. Review status: criteria provided, single submitter. Criteria: ACMG Guidelines, 2015. Collection method: clinical testing. Allele origin: germline. Affected: yes.

Color Diagnostics, LLC DBA Color Health
Classification: Benign for Tuberous sclerosis syndrome. Last evaluated: 2022-08-17. Review status: criteria provided, single submitter. Criteria: ACMG Guidelines, 2015. Collection method: clinical testing. Allele origin: germline.

Mayo Clinic Laboratories, Mayo Clinic
Classification: Benign. Last evaluated: 2022-03-09. Review status: criteria provided, single submitter. Criteria: ACMG Guidelines, 2015. Collection method: clinical testing. Allele origin: germline. Observed: 38 variant alleles.

Genome-Nilou Lab
Classification: Benign for Tuberous sclerosis 1. Last evaluated: 2021-11-07. Review status: criteria provided, single submitter. Criteria: ACMG Guidelines, 2015. Collection method: clinical testing. Allele origin: germline. Affected: no.

Division of Genomic Medicine, Department of Advanced Medicine, Medical Research Institute, Kanazawa Medical University
Classification: Likely benign for Tuberous sclerosis 1. Last evaluated: 2020-07-10. Review status: criteria provided, single submitter. Criteria: ACMG Guidelines, 2015. Collection method: clinical testing. Allele origin: germline. Affected: yes. Observed: 1 variant allele.

Quest Diagnostics Nichols Institute San Juan Capistrano
Classification: Benign. Last evaluated: 2020-06-16. Review status: criteria provided, single submitter. Criteria: Quest Diagnostics criteria. Collection method: clinical testing. Allele origin: unknown.

Illumina Laboratory Services, Illumina
Classification: Benign for Isolated focal cortical dysplasia type II. Last evaluated: 2018-01-12. Review status: criteria provided, single submitter. Criteria: ICSL Variant Classification Criteria 13 December 2019. Collection method: clinical testing. Allele origin: germline.
Comment: This variant was observed in the ICSL laboratory as part of a predisposition screen in an ostensibly healthy population. It had not been previously curated by ICSL or reported in the Human Gene Mutation Database (HGMD: prior to June 1st, 2018), and was therefore a candidate for classification through an automated scoring system. Utilizing variant allele frequency, disease prevalence and penetrance estimates, and inheritance mode, an automated score was calculated to assess if this variant is too frequent to cause the disease. Based on the score and internal cut-off values, a variant classified as benign is not then subjected to further curation. The score for this variant resulted in a classification of benign for this disease.

Illumina Laboratory Services, Illumina
Classification: Benign for Tuberous sclerosis 1. Last evaluated: 2018-01-12. Review status: criteria provided, single submitter. Criteria: ICSL Variant Classification Criteria 13 December 2019. Collection method: clinical testing. Allele origin: germline.
Comment: the same text as in the submission from Illumina Laboratory Services, Illumina above.

Women's Health and Genetics/Laboratory Corporation of America, LabCorp
Classification: Benign. Last evaluated: 2016-05-26. Review status: criteria provided, single submitter. Criteria: LabCorp Variant Classification Summary - May 2015. Collection method: clinical testing. Allele origin: germline.
Comment: Variant summary: The TSC1 c.3324C>T (p.Gly1108Gly) variant involves the alteration of a non-conserved nucleotide, resulting in a synonymous change. One in silico tool predicts a benign outcome for this variant. 5/5 splice prediction tools predict the variant to result in the creation of a cyrpitc splice donor site. However, these predictions have yet to be confirmed by functional studies. This variant was found in 1690/121388 control chromosomes (132 homozygotes), predominantly observed in the Latino subpopulation at a frequency of 0.1302506 (1507/11570). This frequency greatly exceeds the estimated maximal expected allele frequency of a pathogenic TSC1 variant (0.000025), strong evidence that this is likely a benign polymorphism found primarily in the populations of Latino origin. In addition, multiple clinical diagnostic laboratories/reputable databases classified this variant as benign. Taken together, this variant is classified as benign.

Ambry Genetics
Classification: Benign for Hereditary cancer-predisposing syndrome. Last evaluated: 2014-11-25. Review status: criteria provided, single submitter. Criteria: Ambry Variant Classification Scheme 2023. Collection method: clinical testing. Allele origin: germline.

Eurofins Ntd Llc (ga)
Classification: Benign. Last evaluated: 2014-11-22. Review status: criteria provided, single submitter. Criteria: EGL Classification Definitions 2015. Collection method: clinical testing. Allele origin: germline. Observed: 2 variant alleles, 2 heterozygotes.

GeneDx
Classification: Benign. Last evaluated: 2013-10-14. Review status: criteria provided, single submitter. Criteria: GeneDx Variant Classification (06012015). Collection method: clinical testing. Allele origin: germline. Affected: yes.
Comment: This variant is considered likely benign or benign based on one or more of the following criteria: it is a conservative change, it occurs at a poorly conserved position in the protein, it is predicted to be benign by multiple in silico algorithms, and/or has population frequency not consistent with disease.

Breakthrough Genomics
Classification: Likely benign. Review status: criteria provided, single submitter. Criteria: ACMG Guidelines, 2015. Collection method: not provided. Allele origin: germline. Inheritance: Autosomal dominant inheritance. Affected: yes.

PreventionGenetics, part of Exact Sciences
Classification: Benign. Review status: criteria provided, single submitter. Criteria: ACMG Guidelines, 2015. Collection method: clinical testing. Allele origin: germline.

Clinical Genetics, Academic Medical Center
Classification: Benign. Review status: no assertion criteria provided. Collection method: clinical testing. Allele origin: germline. Affected: yes. Study: VKGL Data-share Consensus. Not counted in ClinVar's aggregate classification.

Genetic Services Laboratory, University of Chicago
Classification: Likely benign for AllHighlyPenetrant. Review status: no assertion criteria provided. Collection method: clinical testing. Allele origin: germline. Inheritance: Autosomal dominant inheritance. Not counted in ClinVar's aggregate classification.
Comment: Likely benign based on allele frequency in 1000 Genomes Project or ESP global frequency and its presence in a patient with a rare or unrelated disease phenotype. NOT Sanger confirmed.

Genome Diagnostics Laboratory, Amsterdam University Medical Center
Classification: Benign. Review status: no assertion criteria provided. Collection method: clinical testing. Allele origin: germline. Affected: yes. Study: VKGL Data-share Consensus. Not counted in ClinVar's aggregate classification.

Tuberous sclerosis database (TSC1)
No classification provided. Condition: TSC. Review status: no classification provided. Criteria: Tuberous Sclerosis Database Assertion Criteria 2015. Collection method: curation. Allele origin: germline. Affected: yes. Not counted in ClinVar's aggregate classification.

Tuberous sclerosis database (TSC1)
No classification provided. Condition: Bladder cancer. Review status: no classification provided. Criteria: Tuberous Sclerosis Database Assertion Criteria 2015. Collection method: curation. Allele origin: germline. Affected: yes. Not counted in ClinVar's aggregate classification.